The following is an entry in ClinVar:

ClinVar aggregate classification (germline): Uncertain significance. Review status: criteria provided, multiple submitters, no conflicts (2 of 4 stars). 2 submissions from 2 submitters: Uncertain significance (2). Last evaluated 2023-08-25.

Conditions:
DICER1-related tumor predisposition. Also called: DICER1-related pleuropulmonary blastoma cancer predisposition syndrome; DICER1 syndrome. Identifiers: Orphanet 284343, MedGen C3839822, MONDO:0100216.
Hereditary cancer-predisposing syndrome. Also called: Neoplastic Syndromes, Hereditary; Hereditary Cancer Syndrome; Hereditary neoplastic syndrome; Tumor predisposition. Identifiers: Orphanet 140162, MedGen C0027672, MeSH D009386, MONDO:0015356.

Submissions (2):

Ambry Genetics
Classification: Uncertain significance for Hereditary cancer-predisposing syndrome. Last evaluated: 2023-08-25. Review status: criteria provided, single submitter. Criteria: Ambry Variant Classification Scheme 2023. Collection method: clinical testing. Allele origin: germline.
Comment: The p.Q140R variant (also known as c.419A>G), located in coding exon 3 of the DICER1 gene, results from an A to G substitution at nucleotide position 419. The glutamine at codon 140 is replaced by arginine, an amino acid with highly similar properties. This amino acid position is well conserved in available vertebrate species. In addition, this alteration is predicted to be tolerated by in silico analysis. Since supporting evidence is limited at this time, the clinical significance of this alteration remains unclear.

Labcorp Genetics (formerly Invitae), Labcorp
Classification: Uncertain significance for DICER1-related tumor predisposition. Last evaluated: 2023-05-04. Review status: criteria provided, single submitter. Criteria: Invitae Variant Classification Sherloc (09022015). Collection method: clinical testing. Allele origin: germline.
Comment: In summary, the available evidence is currently insufficient to determine the role of this variant in disease. Therefore, it has been classified as a Variant of Uncertain Significance. Advanced modeling of protein sequence and biophysical properties (such as structural, functional, and spatial information, amino acid conservation, physicochemical variation, residue mobility, and thermodynamic stability) performed at Invitae indicates that this missense variant is not expected to disrupt DICER1 protein function. ClinVar contains an entry for this variant (Variation ID: 824663). This variant has not been reported in the literature in individuals affected with DICER1-related conditions. This variant is not present in population databases (gnomAD no frequency). This sequence change replaces glutamine, which is neutral and polar, with arginine, which is basic and polar, at codon 140 of the DICER1 protein (p.Gln140Arg).

NM_177438.3(DICER1):c.419A>G (p.Gln140Arg)

Gene: DICER1 (dicer 1, ribonuclease III; minus strand). Cytogenetic location: 14q32.13.
Variant type: single nucleotide variant.
Coding change: c.419A>G on transcript NM_177438.3 (MANE Select); coding-DNA position 419, A replaced by G.
Protein change: p.Gln140Arg; replaces glutamine 140 with arginine.
Molecular consequence: missense variant.
Genome position (GRCh38, 1-based): chr14:95,131,528, T>C on the plus strand (A>G on the coding strand, the complement: DICER1 is on the minus strand). VCF-style: chr14-95131528-T-C. GRCh37 (hg19) VCF-style: chr14-95597865-T-C.
Other names: c.419A>G, p.Gln140Arg (NM_030621.4, NM_001195573.1, NM_001271282.3 and 1 more transcripts); short protein forms Q140R.
Identifiers: ClinVar variation 824663 (VCV000824663.8), dbSNP rs1595462808, ClinGen allele CA390888854.